The following is an entry in ClinVar:

NM_173354.5(SIK1):c.1139C>A (p.Ser380Tyr)

Gene: SIK1 (salt inducible kinase 1; minus strand). Cytogenetic location: 21q22.3.
Variant type: single nucleotide variant.
Coding change: c.1139C>A on transcript NM_173354.5 (MANE Select); coding-DNA position 1139, C replaced by A.
Protein change: p.Ser380Tyr; replaces serine 380 with tyrosine.
Molecular consequence: missense variant.
Genome position (GRCh38, 1-based): chr21:43,419,459, G>T on the plus strand (C>A on the coding strand, the complement: SIK1 is on the minus strand). VCF-style: chr21-43419459-G-T. GRCh37 (hg19) VCF-style: chr21-44839339-G-T.
Other names: short protein forms S380Y.
Identifiers: ClinVar variation 476078 (VCV000476078.5), dbSNP rs1555891146, ClinGen allele CA410608641.
Genomic context (GRCh38, chr21:43,419,459, plus strand): 5'-ACGGACTGCACCAAGGTCTGCGGCTGCGGGCACAGCAAGGCAGGTCGGAAAGGGTCGGTG[G>T]AAAGACCTTCCTGAGGCACCTGGGGCCGGCAGACGGGAAAGACGCTGTCAGGGGAGCGAC-3'
Protein context (NP_775490.2, residues 370-390): SGLEVPQEGL[Ser380Tyr]TDPFRPALLC

ClinVar aggregate classification (germline): Uncertain significance (1 of 4 stars; one submission).

Conditions:
Developmental and epileptic encephalopathy, 30 (DEE30). Also called: Epileptic encephalopathy, early infantile, 30. Identifiers: MedGen C4225360, MONDO:0014595, OMIM 616341.

Submission:

Labcorp Genetics (formerly Invitae), Labcorp
Classification: Uncertain significance for Developmental and epileptic encephalopathy, 30. Last evaluated: 2026-01-07. Review status: criteria provided, single submitter. Criteria: Invitae Variant Classification Sherloc (09022015). Collection method: clinical testing. Allele origin: germline.
Comment: This sequence change replaces serine, which is neutral and polar, with tyrosine, which is neutral and polar, at codon 380 of the SIK1 protein (p.Ser380Tyr). This variant is not present in population databases (gnomAD no frequency). This variant has not been reported in the literature in individuals affected with SIK1-related conditions. ClinVar contains an entry for this variant (Variation ID: 476078). Invitae Evidence Modeling of protein sequence and biophysical properties (such as structural, functional, and spatial information, amino acid conservation, physicochemical variation, residue mobility, and thermodynamic stability) indicates that this missense variant is not expected to disrupt SIK1 protein function with a negative predictive value of 95%. In summary, the available evidence is currently insufficient to determine the role of this variant in disease. Therefore, it has been classified as a Variant of Uncertain Significance.